The following is an entry in ClinVar:

ClinVar aggregate classification (germline): Uncertain significance. Review status: criteria provided, multiple submitters, no conflicts (2 of 4 stars). 3 submissions from 3 submitters: Uncertain significance (3). Last evaluated 2025-12-10.

Allele frequency attached by ClinVar (database versions not stated): gnomAD 0.00001; gnomAD exomes 0.00001; ExAC 0.00001; TOPMed 0.00001.
gnomAD v4.1: 10 of 1,498,432 alleles (0.00067%); highest among the groups gnomAD compares: Middle Eastern, 0.017%; no homozygotes.

Submissions (3):

Mayo Clinic Laboratories, Mayo Clinic
Classification: Uncertain significance. Last evaluated: 2025-12-10. Review status: criteria provided, single submitter. Criteria: ACMG Guidelines, 2015. Collection method: clinical testing. Allele origin: germline. Observed: 1 variant allele.
Comment: BP4_moderate

GeneDx
Classification: Uncertain significance. Last evaluated: 2024-05-23. Review status: criteria provided, single submitter. Criteria: GeneDx Variant Classification Process June 2021. Collection method: clinical testing. Allele origin: germline. Affected: yes.
Comment: Not observed at significant frequency in large population cohorts (gnomAD); Missense variant in a gene in which most reported pathogenic variants are truncating/loss of function; Has not been previously published as pathogenic or benign to our knowledge

Revvity Omics, Revvity
Classification: Uncertain significance. Last evaluated: 2022-08-02. Review status: criteria provided, single submitter. Criteria: ACMG Guidelines, 2015. Collection method: clinical testing. Allele origin: germline.

NM_001267550.2(TTN):c.35359G>A (p.Glu11787Lys)

Gene: TTN (titin; minus strand). Cytogenetic location: 2q31.2.
Variant type: single nucleotide variant.
Coding change: c.35359G>A on transcript NM_001267550.2 (MANE Select); coding-DNA position 35359, G replaced by A.
Protein change: p.Glu11787Lys; replaces glutamic acid 11787 with lysine.
Molecular consequence: missense variant. On other transcripts: intron variant (3).
Genome position (GRCh38, 1-based): chr2:178,670,245, C>T on the plus strand (G>A on the coding strand, the complement: TTN is on the minus strand). VCF-style: chr2-178670245-C-T. GRCh37 (hg19) VCF-style: chr2-179534972-C-T.
Other names: p.Glu10486Lys; c.34237G>A, p.Glu11413Lys (NM_001256850.1); c.31456G>A, p.Glu10486Lys (NM_133378.4); c.13283-27928G>A (NM_003319.4); c.13859-27928G>A (NM_133437.4); c.13658-27928G>A (NM_133432.3); short protein forms E10486K, E11413K, E11787K.
Identifiers: ClinVar variation 2438192 (VCV002438192.5), dbSNP rs777183022, ClinGen allele CA1997846.